The following is an entry in ClinVar:

ClinVar aggregate classification (germline): Uncertain significance (1 of 4 stars; one submission).

Submission:

Labcorp Genetics (formerly Invitae), Labcorp
Classification: Uncertain significance. Last evaluated: 2022-05-25. Review status: criteria provided, single submitter. Criteria: Invitae Variant Classification Sherloc (09022015). Collection method: clinical testing. Allele origin: germline.
Comment: This sequence change replaces isoleucine, which is neutral and non-polar, with serine, which is neutral and polar, at codon 310 of the LPIN1 protein (p.Ile310Ser). This variant is not present in population databases (gnomAD no frequency). This variant has not been reported in the literature in individuals affected with LPIN1-related conditions. Algorithms developed to predict the effect of missense changes on protein structure and function are either unavailable or do not agree on the potential impact of this missense change (SIFT: "Deleterious"; PolyPhen-2: "Possibly Damaging"; Align-GVGD: "Class C0"). In summary, the available evidence is currently insufficient to determine the role of this variant in disease. Therefore, it has been classified as a Variant of Uncertain Significance.

NM_001349206.2(LPIN1):c.1037T>G (p.Ile346Ser)

Gene: LPIN1 (lipin 1; plus strand). Cytogenetic location: 2p25.1.
Variant type: single nucleotide variant.
Coding change: c.1037T>G on transcript NM_001349206.2 (MANE Select); coding-DNA position 1037, T replaced by G.
Protein change: p.Ile346Ser; replaces isoleucine 346 with serine.
Molecular consequence: missense variant. On other transcripts: non-coding transcript variant (1).
Genome position (GRCh38, 1-based): chr2:11,782,280, T>G. VCF-style: chr2-11782280-T-G. GRCh37 (hg19) VCF-style: chr2-11922406-T-G.
Other names: c.947T>G, p.Ile316Ser (NM_001261427.3); c.1184T>G, p.Ile395Ser (NM_001261428.3); c.929T>G, p.Ile310Ser (NM_001349199.2, NM_001349200.2, NM_001349201.2 and 1 more transcripts); c.1034T>G, p.Ile345Ser (NM_001349202.2, NM_001349203.2); c.1037T>G, p.Ile346Ser (NM_001349204.2, NM_001349205.2); c.1127T>G, p.Ile376Ser (NM_001349207.2); c.1076T>G, p.Ile359Ser (NM_001349208.2); short protein forms I376S, I316S, I345S, I346S, I310S, I359S, I395S.
Identifiers: ClinVar variation 2118399 (VCV002118399.4), dbSNP rs2546127050, ClinGen allele CA345856317.